The following is an entry in ClinVar:

ClinVar aggregate classification (germline): Uncertain significance (1 of 4 stars; one submission).

Conditions:
Epidermolysis bullosa simplex with nail dystrophy (EBS5D). Identifiers: MedGen C4225309, MONDO:0014661, OMIM 616487.
Epidermolysis bullosa simplex, Ogna type (EBS5A). Also called: EPIDERMOLYSIS BULLOSA SIMPLEX 5A, OGNA TYPE; Pidermolysis bullosa simplex 5A, Ogna type. Identifiers: Orphanet 79401, MedGen C0432317, MONDO:0007555, OMIM 131950.
Epidermolysis bullosa simplex 5C, with pyloric atresia (EBS5C). Also called: PLEC1-Related Epidermolysis Bullosa with Pyloric Atresia; PLEC-Related Epidermolysis Bullosa with Pyloric Atresia; Epidermolysis bullosa simplex with pyloric atresia. Identifiers: Orphanet 158684, MedGen C2677349, MONDO:0012807, OMIM 612138.
Autosomal recessive limb-girdle muscular dystrophy type 2Q (LGMDR17). Also called: MUSCULAR DYSTROPHY, LIMB-GIRDLE, AUTOSOMAL RECESSIVE 17. Identifiers: Orphanet 254361, MedGen C3150989, MONDO:0013390, OMIM 613723.
Epidermolysis bullosa simplex 5B, with muscular dystrophy (EBS5B). Also called: EPIDERMOLYSIS BULLOSA SIMPLEX AND LIMB-GIRDLE MUSCULAR DYSTROPHY; Epidermolysis bullosa simplex with muscular dystrophy. Identifiers: Orphanet 257, MedGen C2931072, MONDO:0009181, OMIM 226670.

Allele frequency attached by ClinVar (database versions not stated): ExAC 0.00001; gnomAD 0.00001; gnomAD exomes 0.00001; TOPMed 0.00002.
gnomAD v4.1: 14 of 1,612,296 alleles (0.00087%); highest among the groups gnomAD compares: African/African-American, 0.0013%; no homozygotes.

Submission:

Labcorp Genetics (formerly Invitae), Labcorp
Classification: Uncertain significance for Autosomal recessive limb-girdle muscular dystrophy type 2Q; Epidermolysis bullosa simplex, Ogna type; Epidermolysis bullosa simplex with nail dystrophy; Epidermolysis bullosa simplex 5C, with pyloric atresia; Epidermolysis bullosa simplex 5B, with muscular dystrophy. Last evaluated: 2025-11-01. Review status: criteria provided, single submitter. Criteria: Invitae Variant Classification Sherloc (09022015). Collection method: clinical testing. Allele origin: germline.
Comment: This sequence change replaces alanine, which is neutral and non-polar, with valine, which is neutral and non-polar, at codon 4295 of the PLEC protein (p.Ala4295Val). This variant is present in population databases (rs782429088, gnomAD 0.002%). This variant has not been reported in the literature in individuals affected with PLEC-related conditions. ClinVar contains an entry for this variant (Variation ID: 2922528). Invitae Evidence Modeling of protein sequence and biophysical properties (such as structural, functional, and spatial information, amino acid conservation, physicochemical variation, residue mobility, and thermodynamic stability) indicates that this missense variant is not expected to disrupt PLEC protein function with a negative predictive value of 80%. In summary, the available evidence is currently insufficient to determine the role of this variant in disease. Therefore, it has been classified as a Variant of Uncertain Significance.

NM_201384.3(PLEC):c.12803C>T (p.Ala4268Val)

Gene: PLEC (plectin; minus strand). Cytogenetic location: 8q24.3.
Variant type: single nucleotide variant.
Coding change: c.12803C>T on transcript NM_201384.3 (MANE Select); coding-DNA position 12803, C replaced by T.
Protein change: p.Ala4268Val; replaces alanine 4268 with valine.
Molecular consequence: missense variant.
Genome position (GRCh38, 1-based): chr8:143,917,018, G>A on the plus strand (C>T on the coding strand, the complement: PLEC is on the minus strand). VCF-style: chr8-143917018-G-A. GRCh37 (hg19) VCF-style: chr8-144991186-G-A.
Other names: c.12884C>T, p.Ala4295Val (NM_000445.5); c.9503C>T, p.Ala3168Val (NM_001410941.1); c.12761C>T, p.Ala4254Val (NM_201378.4); c.12737C>T, p.Ala4246Val (NM_201379.3); c.13214C>T, p.Ala4405Val (NM_201380.4); c.12707C>T, p.Ala4236Val (NM_201381.3); c.12803C>T, p.Ala4268Val (NM_201382.4); c.12815C>T, p.Ala4272Val (NM_201383.3); short protein forms A4246V, A4254V, A4295V, A3168V, A4236V, A4268V, A4272V, A4405V.
Identifiers: ClinVar variation 2922528 (VCV002922528.3), dbSNP rs782429088, ClinGen allele CA4923976.